The following is an entry in ClinVar:

ClinVar aggregate classification (germline): Uncertain significance (1 of 4 stars; one submission).

Conditions:
Neurofibromatosis, type 1 (NF1). Also called: VON RECKLINGHAUSEN DISEASE; Neurofibromatosis, type I; NEUROFIBROMATOSIS, TYPE I, SOMATIC; Peripheral type neurofibromatosis. Identifiers: Orphanet 636, MedGen C0027831, MONDO:0018975, OMIM 162200. Disease mechanism: loss of function.

Submission:

Labcorp Genetics (formerly Invitae), Labcorp
Classification: Uncertain significance for Neurofibromatosis, type 1. Last evaluated: 2023-10-29. Review status: criteria provided, single submitter. Criteria: Invitae Variant Classification Sherloc (09022015). Collection method: clinical testing. Allele origin: germline.
Comment: This sequence change replaces glycine, which is neutral and non-polar, with alanine, which is neutral and non-polar, at codon 1576 of the NF1 protein (p.Gly1576Ala). This variant is not present in population databases (gnomAD no frequency). This variant has not been reported in the literature in individuals affected with NF1-related conditions. Advanced modeling of protein sequence and biophysical properties (such as structural, functional, and spatial information, amino acid conservation, physicochemical variation, residue mobility, and thermodynamic stability) performed at Invitae indicates that this missense variant is expected to disrupt NF1 protein function with a positive predictive value of 95%. In summary, the available evidence is currently insufficient to determine the role of this variant in disease. Therefore, it has been classified as a Variant of Uncertain Significance.

NM_001042492.3(NF1):c.4790G>C (p.Gly1597Ala)

Gene: NF1 (neurofibromin 1; plus strand). Cytogenetic location: 17q11.2.
Variant type: single nucleotide variant.
Coding change: c.4790G>C on transcript NM_001042492.3 (MANE Select); coding-DNA position 4790, G replaced by C.
Protein change: p.Gly1597Ala; replaces glycine 1597 with alanine.
Molecular consequence: missense variant.
Genome position (GRCh38, 1-based): chr17:31,265,294, G>C. VCF-style: chr17-31265294-G-C. GRCh37 (hg19) VCF-style: chr17-29592312-G-C.
Other names: c.4727G>C, p.Gly1576Ala (NM_000267.4); short protein forms G1597A, G1576A.
Identifiers: ClinVar variation 2772583 (VCV002772583.3), dbSNP rs2067766230, ClinGen allele CA399001299.